The following is an entry in ClinVar:

NM_032638.5(GATA2):c.761del (p.Pro254fs)

Gene: GATA2 (GATA binding protein 2; minus strand). Cytogenetic location: 3q21.3.
Variant type: Deletion.
Coding change: c.761del on transcript NM_032638.5 (MANE Select); coding-DNA position 761, one base deleted (C; older notation c.761delC).
Protein change: p.Pro254fs; shifts the reading frame from proline 254.
Molecular consequence: frameshift variant.
Genome position (GRCh38, 1-based): chr3:128,485,837, G deleted on the plus strand (C on the coding strand, the reverse complement: GATA2 is on the minus strand); the first of 2 consecutive G bases (chr3:128,485,837-128,485,838); deleting either gives the same sequence. VCF-style (leftmost placement, unchanged base first): chr3-128485836-CG-C. GRCh37 (hg19) VCF-style: chr3-128204679-CG-C.
Other names: c.761del, p.Pro254fs (NM_001145661.2, NM_001145662.1); short protein forms P254fs.
Identifiers: ClinVar variation 3754386 (VCV003754386.2).
Genomic context (GRCh38, chr3:128,485,836, plus strand): 5'-CGGTCCCCCCAGGAAGCCTCCGGGGTGGAAGAGTCCGCTGCTGTAGTCGTGGGCAGCCGC[CG>C]GCACATAGGAGGGGTAGGTGGGGATGGGGTGGTGTGTAGCAGGCTGGGTGCCCATAGTAG-3'

ClinVar aggregate classification (germline): Pathogenic (1 of 4 stars; one submission).

Conditions:
Deafness-lymphedema-leukemia syndrome. Also called: Lymphedema, primary, with myelodysplasia; Emberger syndrome. Identifiers: Orphanet 3226, MedGen C3279664, MONDO:0013540, OMIM 614038.
Monocytopenia with susceptibility to infections. Also called: MONOCYTOPENIA AND MYCOBACTERIAL INFECTION SYNDROME; MONOCYTOPENIA WITH SUSCEPTIBILITY TO MYCOBACTERIAL, FUNGAL, AND PAPILLOMAVIRUS INFECTIONS AND MYELODYSPLASIA; COMBINED IMMUNODEFICIENCY WITH SUSCEPTIBILITY TO MYCOBACTERIAL, VIRAL, AND FUNGAL INFECTIONS; Dendritic cell, monocyte, B lymphocyte, and natural killer lymphocyte deficiency; IMMUNODEFICIENCY 21; GATA2 DEFICIENCY. Identifiers: Orphanet 228423, MedGen C3280030, MONDO:0013607, OMIM 614172.

Submission:

Labcorp Genetics (formerly Invitae), Labcorp
Classification: Pathogenic for Monocytopenia with susceptibility to infections; Deafness-lymphedema-leukemia syndrome. Last evaluated: 2024-02-02. Review status: criteria provided, single submitter. Criteria: Invitae Variant Classification Sherloc (09022015). Collection method: clinical testing. Allele origin: germline.
Comment: This sequence change creates a premature translational stop signal (p.Pro254Argfs*72) in the GATA2 gene. It is expected to result in an absent or disrupted protein product. Loss-of-function variants in GATA2 are known to be pathogenic (PMID: 21670465, 23223431). This variant is not present in population databases (gnomAD no frequency). This variant has not been reported in the literature in individuals affected with GATA2-related conditions. For these reasons, this variant has been classified as Pathogenic.

Literature cited by the submitters: PubMed 21670465; PubMed 23223431.